The following is an entry in ClinVar:

NM_000083.3(CLCN1):c.2099C>A (p.Ala700Glu)

Genes: CLCN1 (chloride voltage-gated channel 1; plus strand), LOC123956257 (Sharpr-MPRA regulatory region 4117; plus strand). Cytogenetic location: 7q34.
Variant type: single nucleotide variant.
Coding change: c.2099C>A on transcript NM_000083.3 (MANE Select); coding-DNA position 2099, C replaced by A.
Protein change: p.Ala700Glu; replaces alanine 700 with glutamic acid.
Molecular consequence: missense variant. On other transcripts: non-coding transcript variant (1).
Genome position (GRCh38, 1-based): chr7:143,345,689, C>A. VCF-style: chr7-143345689-C-A. GRCh37 (hg19) VCF-style: chr7-143042782-C-A.
Other names: short protein forms A700E.
Identifiers: ClinVar variation 1807074 (VCV001807074.4), dbSNP rs1172357218, ClinGen allele CA369650399.

ClinVar aggregate classification (germline): Uncertain significance. Review status: criteria provided, multiple submitters, no conflicts (2 of 4 stars). 3 submissions from 3 submitters: Uncertain significance (3). Last evaluated 2026-08-26.

Conditions:
Congenital myotonia, autosomal dominant form (THD). Also called: Myotonia congenita autosomal dominant; THOMSEN DISEASE. Identifiers: Orphanet 614, MedGen C2936781, MONDO:0008055, OMIM 160800.
Congenital myotonia, autosomal recessive form. Also called: Becker Generalized Myotonia; BECKER DISEASE; myotonia congenita, autosomal recessive. Identifiers: Orphanet 614, MedGen C0751360, MONDO:0009715, OMIM 255700.

Submissions (3):

GeneDx
Classification: Uncertain significance. Last evaluated: 2026-08-26. Review status: criteria provided, single submitter. Criteria: GeneDx Variant Classification Process June 2021. Collection method: clinical testing. Allele origin: germline.
Comment: Not observed at significant frequency in large population cohorts (gnomAD); In silico analysis suggests that this missense variant does not alter protein structure/function; Has not been previously published as pathogenic or benign to our knowledge

Labcorp Genetics (formerly Invitae), Labcorp
Classification: Uncertain significance for Congenital myotonia, autosomal recessive form; Congenital myotonia, autosomal dominant form. Last evaluated: 2023-09-08. Review status: criteria provided, single submitter. Criteria: Invitae Variant Classification Sherloc (09022015). Collection method: clinical testing. Allele origin: germline.
Comment: In summary, the available evidence is currently insufficient to determine the role of this variant in disease. Therefore, it has been classified as a Variant of Uncertain Significance. Advanced modeling of protein sequence and biophysical properties (such as structural, functional, and spatial information, amino acid conservation, physicochemical variation, residue mobility, and thermodynamic stability) performed at Invitae indicates that this missense variant is not expected to disrupt CLCN1 protein function. ClinVar contains an entry for this variant (Variation ID: 1807074). This variant has not been reported in the literature in individuals affected with CLCN1-related conditions. This variant is not present in population databases (gnomAD no frequency). This sequence change replaces alanine, which is neutral and non-polar, with glutamic acid, which is acidic and polar, at codon 700 of the CLCN1 protein (p.Ala700Glu).

Athena Diagnostics
Classification: Uncertain significance. Last evaluated: 2021-10-08. Review status: criteria provided, single submitter. Criteria: Athena Diagnostics Criteria. Collection method: clinical testing. Allele origin: unknown.